The following is an entry in ClinVar:

ClinVar aggregate classification (germline): Uncertain significance. Review status: criteria provided, multiple submitters, no conflicts (2 of 4 stars). 3 submissions from 3 submitters: Uncertain significance (3). Last evaluated 2025-06-29.

Conditions:
Inborn genetic diseases. Identifiers: MedGen C0950123, MeSH D030342.
Left ventricular noncompaction 8 (LVNC8). Identifiers: Orphanet 154, Orphanet 54260, MedGen C3809288, MONDO:0014152, OMIM 615373.

Allele frequency attached by ClinVar (database versions not stated): gnomAD exomes below 0.00001 and 0.00001; ExAC 0.00003; TOPMed 0.00006; gnomAD 0.00007 and 0.00008; ESP Exome Variant Server 0.00016.
gnomAD v4.1: 15 of 1,608,696 alleles (0.00093%); highest among the groups gnomAD compares: African/African-American, 0.019%; no homozygotes.

Submissions (3):

Labcorp Genetics (formerly Invitae), Labcorp
Classification: Uncertain significance for Left ventricular noncompaction 8. Last evaluated: 2025-06-29. Review status: criteria provided, single submitter. Criteria: Invitae Variant Classification Sherloc (09022015). Collection method: clinical testing. Allele origin: germline.
Comment: This sequence change replaces proline, which is neutral and non-polar, with arginine, which is basic and polar, at codon 678 of the PRDM16 protein (p.Pro678Arg). This variant is present in population databases (rs368139988, gnomAD 0.03%). This variant has not been reported in the literature in individuals affected with PRDM16-related conditions. ClinVar contains an entry for this variant (Variation ID: 967964). An algorithm developed to predict the effect of missense changes on protein structure and function (PolyPhen-2) suggests that this variant is likely to be disruptive. In summary, the available evidence is currently insufficient to determine the role of this variant in disease. Therefore, it has been classified as a Variant of Uncertain Significance.

GeneDx
Classification: Uncertain significance. Last evaluated: 2024-10-03. Review status: criteria provided, single submitter. Criteria: GeneDx Variant Classification Process June 2021. Collection method: clinical testing. Allele origin: germline. Affected: yes.
Comment: Has not been previously published as pathogenic or benign to our knowledge; Not observed at significant frequency in large population cohorts (gnomAD); In silico analysis supports that this missense variant has a deleterious effect on protein structure/function

Ambry Genetics
Classification: Uncertain significance for Inborn genetic diseases. Last evaluated: 2023-12-18. Review status: criteria provided, single submitter. Criteria: Ambry Variant Classification Scheme 2023. Collection method: clinical testing. Allele origin: germline.

NM_022114.4(PRDM16):c.2033C>G (p.Pro678Arg)

Gene: PRDM16 (PR/SET domain 16; plus strand). Cytogenetic location: 1p36.32.
Variant type: single nucleotide variant.
Coding change: c.2033C>G on transcript NM_022114.4 (MANE Select); coding-DNA position 2033, C replaced by G.
Protein change: p.Pro678Arg; replaces proline 678 with arginine.
Molecular consequence: missense variant.
Genome position (GRCh38, 1-based): chr1:3,412,230, C>G. VCF-style: chr1-3412230-C-G. GRCh37 (hg19) VCF-style: chr1-3328794-C-G.
Other names: c.2033C>G, p.Pro678Arg (NM_199454.3); short protein forms P678R.
Identifiers: ClinVar variation 967964 (VCV000967964.13), dbSNP rs368139988, ClinGen allele CA544362.